The following is an entry in ClinVar:

NM_000051.4(ATM):c.1142G>T (p.Ser381Ile)

Gene: ATM (ATM serine/threonine kinase; plus strand). Cytogenetic location: 11q22.3.
Variant type: single nucleotide variant.
Coding change: c.1142G>T on transcript NM_000051.4 (MANE Select); coding-DNA position 1142, G replaced by T.
Protein change: p.Ser381Ile; replaces serine 381 with isoleucine.
Molecular consequence: missense variant.
Genome position (GRCh38, 1-based): chr11:108,249,009, G>T. VCF-style: chr11-108249009-G-T. GRCh37 (hg19) VCF-style: chr11-108119736-G-T.
Other names: c.1142G>T, p.Ser381Ile (NM_001351834.2); short protein forms S381I.
Identifiers: ClinVar variation 485185 (VCV000485185.9), dbSNP rs1462596554, ClinGen allele CA382532470.

ClinVar aggregate classification (germline): Uncertain significance. Review status: criteria provided, multiple submitters, no conflicts (2 of 4 stars). 3 submissions from 3 submitters: Uncertain significance (3). Last evaluated 2024-02-12.

Conditions:
Hereditary cancer-predisposing syndrome. Also called: Hereditary neoplastic syndrome; Neoplastic Syndromes, Hereditary; Tumor predisposition; Hereditary Cancer Syndrome. Identifiers: Orphanet 140162, MedGen C0027672, MeSH D009386, MONDO:0015356.
Ataxia-telangiectasia syndrome (AT). Also called: LOUIS-BAR SYNDROME; Cerebello-oculocutaneous telangiectasia; Immunodeficiency with ataxia telangiectasia; AT, COMPLEMENTATION GROUP C; Ataxia-telangiectasia, complementation group D; ATAXIA-TELANGIECTASIA, COMPLEMENTATION GROUP A. Identifiers: Orphanet 100, MedGen C0004135, MONDO:0008840, OMIM 208900.

Allele frequency attached by ClinVar (database versions not stated): gnomAD exomes below 0.00001.
gnomAD v4.1: 6 of 1,613,470 alleles (0.00037%); highest among the groups gnomAD compares: Non-Finnish European, 0.00034%; no homozygotes.

Submissions (3):

Color Diagnostics, LLC DBA Color Health
Classification: Uncertain significance for Hereditary cancer-predisposing syndrome. Last evaluated: 2024-02-12. Review status: criteria provided, single submitter. Criteria: ACMG Guidelines, 2015. Collection method: clinical testing. Allele origin: germline.
Comment: This missense variant replaces serine with isoleucine at codon 381 of the ATM protein. Computational prediction suggests that this variant may not impact protein structure and function (internally defined REVEL score threshold <= 0.5, PMID: 27666373). To our knowledge, functional studies have not been reported for this variant. This variant has not been reported in individuals affected with ATM-related disorders in the literature. This variant has been identified in 1/251276 chromosomes in the general population by the Genome Aggregation Database (gnomAD). The available evidence is insufficient to determine the role of this variant in disease conclusively. Therefore, this variant is classified as a Variant of Uncertain Significance.

Labcorp Genetics (formerly Invitae), Labcorp
Classification: Uncertain significance for Ataxia-telangiectasia syndrome. Last evaluated: 2023-06-30. Review status: criteria provided, single submitter. Criteria: Invitae Variant Classification Sherloc (09022015). Collection method: clinical testing. Allele origin: germline.
Comment: This sequence change replaces serine, which is neutral and polar, with isoleucine, which is neutral and non-polar, at codon 381 of the ATM protein (p.Ser381Ile). This variant is present in population databases (no rsID available, gnomAD 0.01%). In summary, the available evidence is currently insufficient to determine the role of this variant in disease. Therefore, it has been classified as a Variant of Uncertain Significance. An algorithm developed to predict the effect of missense changes on protein structure and function (PolyPhen-2) suggests that this variant is likely to be tolerated. ClinVar contains an entry for this variant (Variation ID: 485185). This variant has not been reported in the literature in individuals affected with ATM-related conditions.

Ambry Genetics
Classification: Uncertain significance for Hereditary cancer-predisposing syndrome. Last evaluated: 2022-06-10. Review status: criteria provided, single submitter. Criteria: Ambry Variant Classification Scheme 2023. Collection method: clinical testing. Allele origin: germline.
Comment: The p.S381I variant (also known as c.1142G>T), located in coding exon 8 of the ATM gene, results from a G to T substitution at nucleotide position 1142. The serine at codon 381 is replaced by isoleucine, an amino acid with dissimilar properties. This amino acid position is not well conserved in available vertebrate species. In addition, this alteration is predicted to be tolerated by in silico analysis. Since supporting evidence is limited at this time, the clinical significance of this alteration remains unclear.